The following is an entry in ClinVar:

NM_001291303.3(FAT4):c.3697T>A (p.Ser1233Thr)

Gene: FAT4 (FAT atypical cadherin 4; plus strand). Cytogenetic location: 4q28.1.
Variant type: single nucleotide variant.
Coding change: c.3697T>A on transcript NM_001291303.3 (MANE Select); coding-DNA position 3697, T replaced by A.
Protein change: p.Ser1233Thr; replaces serine 1233 with threonine.
Molecular consequence: missense variant.
Genome position (GRCh38, 1-based): chr4:125,320,108, T>A. VCF-style: chr4-125320108-T-A. GRCh37 (hg19) VCF-style: chr4-126241263-T-A.
Other names: c.3697T>A, p.Ser1233Thr (NM_001291285.3, NM_024582.6); short protein forms S1233T.
Identifiers: ClinVar variation 1412130 (VCV001412130.6), dbSNP rs2125943792, ClinGen allele CA358124544.

ClinVar aggregate classification (germline): Uncertain significance (1 of 4 stars; one submission).

Submission:

Labcorp Genetics (formerly Invitae), Labcorp
Classification: Uncertain significance. Last evaluated: 2022-06-20. Review status: criteria provided, single submitter. Criteria: Invitae Variant Classification Sherloc (09022015). Collection method: clinical testing. Allele origin: germline.
Comment: This sequence change replaces serine, which is neutral and polar, with threonine, which is neutral and polar, at codon 1233 of the FAT4 protein (p.Ser1233Thr). In summary, the available evidence is currently insufficient to determine the role of this variant in disease. Therefore, it has been classified as a Variant of Uncertain Significance. Advanced modeling of protein sequence and biophysical properties (such as structural, functional, and spatial information, amino acid conservation, physicochemical variation, residue mobility, and thermodynamic stability) performed at Invitae indicates that this missense variant is not expected to disrupt FAT4 protein function. This variant has not been reported in the literature in individuals affected with FAT4-related conditions. This variant is not present in population databases (gnomAD no frequency).